The following is an entry in ClinVar:

ClinVar aggregate classification (germline): Likely benign (0 of 4 stars; one submission).

Conditions:
SEMA3D-related disorder. Also called: SEMA3D-related condition.

Submission:

PreventionGenetics, part of Exact Sciences
Classification: Likely benign for SEMA3D-related condition. Last evaluated: 2024-04-22. Review status: no assertion criteria provided. Collection method: clinical testing. Allele origin: germline.
Comment: This variant is classified as likely benign based on ACMG/AMP sequence variant interpretation guidelines (Richards et al. 2015 PMID: 25741868, with internal and published modifications).

NM_001384900.1(SEMA3D):c.1047-5del

Gene: SEMA3D (semaphorin 3D; minus strand). Cytogenetic location: 7q21.11.
Variant type: Deletion.
Coding change: c.1047-5del on transcript NM_001384900.1 (MANE Select); 5 bases into the intron before coding-DNA position 1047, one base deleted (T; older notation c.1047-5delT).
Molecular consequence: intron variant.
Genome position (GRCh38, 1-based): chr7:85,037,038, A deleted on the plus strand (T on the coding strand, the reverse complement: SEMA3D is on the minus strand); the first of 9 consecutive A bases (chr7:85,037,038-85,037,046); deleting any one gives the same sequence. VCF-style (leftmost placement, unchanged base first): chr7-85037037-GA-G. GRCh37 (hg19) VCF-style: chr7-84666353-GA-G.
Other names: c.1047-5del (NM_001384901.1, NM_001384903.1, NM_001384902.1 and 1 more transcripts).
Identifiers: ClinVar variation 3041542 (VCV003041542.2), dbSNP rs540755428, ClinGen allele CA4323525.